The following is an entry in ClinVar:

NM_177438.3(DICER1):c.3215C>A (p.Ala1072Asp)

Gene: DICER1 (dicer 1, ribonuclease III; minus strand). Cytogenetic location: 14q32.13.
Variant type: single nucleotide variant.
Coding change: c.3215C>A on transcript NM_177438.3 (MANE Select); coding-DNA position 3215, C replaced by A.
Protein change: p.Ala1072Asp; replaces alanine 1072 with aspartic acid.
Molecular consequence: missense variant. On other transcripts: non-coding transcript variant (6).
Genome position (GRCh38, 1-based): chr14:95,105,125, G>T on the plus strand (C>A on the coding strand, the complement: DICER1 is on the minus strand). VCF-style: chr14-95105125-G-T. GRCh37 (hg19) VCF-style: chr14-95571462-G-T.
Other names: c.3215C>A, p.Ala1072Asp (NM_001195573.1, NM_001271282.3, NM_001291628.2 and 12 more transcripts); c.2933C>A, p.Ala978Asp (NM_001395686.1); c.1532C>A, p.Ala511Asp (NM_001395697.1); c.2810C>A, p.Ala937Asp (NM_001395687.1, NM_001395688.1, NM_001395689.1 and 2 more transcripts); c.2648C>A, p.Ala883Asp (NM_001395691.1); short protein forms A978D, A1072D, A883D, A511D, A937D.
Identifiers: ClinVar variation 4746750 (VCV004746750.1).

ClinVar aggregate classification (germline): Uncertain significance (1 of 4 stars; one submission).

Conditions:
DICER1-related tumor predisposition. Also called: DICER1-related pleuropulmonary blastoma cancer predisposition syndrome; DICER1 syndrome. Identifiers: Orphanet 284343, MedGen C3839822, MONDO:0100216.

Submission:

Labcorp Genetics (formerly Invitae), Labcorp
Classification: Uncertain significance for DICER1-related tumor predisposition. Last evaluated: 2025-02-02. Review status: criteria provided, single submitter. Criteria: Invitae Variant Classification Sherloc (09022015). Collection method: clinical testing. Allele origin: germline.
Comment: This sequence change replaces alanine, which is neutral and non-polar, with aspartic acid, which is acidic and polar, at codon 1072 of the DICER1 protein (p.Ala1072Asp). This variant is not present in population databases (gnomAD no frequency). This variant has not been reported in the literature in individuals affected with DICER1-related conditions. Invitae Evidence Modeling of protein sequence and biophysical properties (such as structural, functional, and spatial information, amino acid conservation, physicochemical variation, residue mobility, and thermodynamic stability) indicates that this missense variant is not expected to disrupt DICER1 protein function with a negative predictive value of 95%. In summary, the available evidence is currently insufficient to determine the role of this variant in disease. Therefore, it has been classified as a Variant of Uncertain Significance.